The following is an entry in ClinVar:

NM_004360.5(CDH1):c.1611G>A (p.Pro537=)

Gene: CDH1 (cadherin 1; plus strand). Cytogenetic location: 16q22.1.
Variant type: single nucleotide variant.
Coding change: c.1611G>A on transcript NM_004360.5 (MANE Select); coding-DNA position 1611, G replaced by A.
Protein change: p.Pro537=; no amino-acid change (proline 537 retained).
Molecular consequence: synonymous variant. On other transcripts: intron variant (1).
Genome position (GRCh38, 1-based): chr16:68,819,325, G>A. VCF-style: chr16-68819325-G-A. GRCh37 (hg19) VCF-style: chr16-68853228-G-A.
Other names: c.1611G>A (LRG_301t1); c.1428G>A, p.Pro476= (NM_001317184.2); c.63G>A, p.Pro21= (NM_001317185.2); c.-254-2676G>A (NM_001317186.2).
Identifiers: ClinVar variation 414051 (VCV000414051.21), dbSNP rs1060504173, ClinGen allele CA16615395.

ClinVar aggregate classification (germline): Benign/Likely benign. Review status: criteria provided, multiple submitters, no conflicts (2 of 4 stars). 6 submissions from 6 submitters: Benign (1); Likely benign (5). Last evaluated 2025-07-29.

Conditions:
Hereditary cancer-predisposing syndrome. Also called: Tumor predisposition; Neoplastic Syndromes, Hereditary; Hereditary Cancer Syndrome; Hereditary neoplastic syndrome. Identifiers: Orphanet 140162, MedGen C0027672, MeSH D009386, MONDO:0015356.
Hereditary diffuse gastric adenocarcinoma (HDGC). Also called: DIFFUSE GASTRIC AND LOBULAR BREAST CANCER SYNDROME. Identifiers: Orphanet 26106, MedGen C1708349, MONDO:0007648, OMIM 137215.

Allele frequency attached by ClinVar (database versions not stated): gnomAD 0.00001; gnomAD exomes 0.00001; TOPMed 0.00003.
gnomAD v4.1: 10 of 1,613,990 alleles (0.00062%); highest among the groups gnomAD compares: African/African-American, 0.0027%; no homozygotes.

Submissions (6):

Labcorp Genetics (formerly Invitae), Labcorp
Classification: Likely benign for Hereditary diffuse gastric adenocarcinoma. Last evaluated: 2025-07-29. Review status: criteria provided, single submitter. Criteria: Invitae Variant Classification Sherloc (09022015). Collection method: clinical testing. Allele origin: germline.

Myriad Genetics, Inc.
Classification: Benign for Hereditary diffuse gastric adenocarcinoma. Last evaluated: 2024-09-19. Review status: criteria provided, single submitter. Criteria: Myriad Autosomal Dominant, Autosomal Recessive and X-Linked Classification Criteria (2023). Collection method: clinical testing. Allele origin: unknown.
Comment: This variant is considered benign. This variant is a silent/synonymous amino acid change and it is not expected to impact splicing.

Women's Health and Genetics/Laboratory Corporation of America, LabCorp
Classification: Likely benign. Last evaluated: 2019-08-28. Review status: criteria provided, single submitter. Criteria: LabCorp Variant Classification Summary - May 2015. Collection method: clinical testing. Allele origin: germline.

GeneDx
Classification: Likely benign. Last evaluated: 2019-04-22. Review status: criteria provided, single submitter. Criteria: GeneDx Variant Classification Process June 2021. Collection method: clinical testing. Allele origin: germline. Affected: yes.

Color Diagnostics, LLC DBA Color Health
Classification: Likely benign for Hereditary cancer-predisposing syndrome. Last evaluated: 2019-02-04. Review status: criteria provided, single submitter. Criteria: ACMG Guidelines, 2015. Collection method: clinical testing. Allele origin: germline.

Ambry Genetics
Classification: Likely benign for Hereditary cancer-predisposing syndrome. Last evaluated: 2015-12-16. Review status: criteria provided, single submitter. Criteria: Ambry Variant Classification Scheme 2023. Collection method: clinical testing. Allele origin: germline.